The following is an entry in ClinVar:

NM_003242.6(TGFBR2):c.1382G>A (p.Cys461Tyr)

Gene: TGFBR2 (transforming growth factor beta receptor 2; plus strand). Cytogenetic location: 3p24.1.
Variant type: single nucleotide variant.
Coding change: c.1382G>A on transcript NM_003242.6 (MANE Select); coding-DNA position 1382, G replaced by A.
Protein change: p.Cys461Tyr; replaces cysteine 461 with tyrosine.
Molecular consequence: missense variant.
Genome position (GRCh38, 1-based): chr3:30,674,232, G>A. VCF-style: chr3-30674232-G-A. GRCh37 (hg19) VCF-style: chr3-30715724-G-A.
Other names: c.1457G>A, p.Cys486Tyr (NM_001024847.3); c.1565G>A, p.Cys522Tyr (NM_001407126.1); c.1490G>A, p.Cys497Tyr (NM_001407127.1); c.1409G>A, p.Cys470Tyr (NM_001407128.1); c.1385G>A, p.Cys462Tyr (NM_001407129.1); c.1382G>A, p.Cys461Tyr (NM_001407130.1); c.1277G>A, p.Cys426Tyr (NM_001407132.1, NM_001407133.1, NM_001407134.1 and 2 more transcripts); c.1097G>A, p.Cys366Tyr (NM_001407137.1); and 1 more; short protein forms C461Y, C486Y, C470Y, C497Y, C341Y, C426Y, C522Y, C462Y.
Identifiers: ClinVar variation 155839 (VCV000155839.6), dbSNP rs587782979, ClinGen allele CA020670.

ClinVar aggregate classification (germline): Likely pathogenic. Review status: criteria provided, multiple submitters, no conflicts (2 of 4 stars). 2 submissions from 2 submitters: Likely pathogenic (2). Last evaluated 2022-09-01.

Conditions:
Familial thoracic aortic aneurysm and aortic dissection (TAAD). Also called: Thoracic aortic aneurysms and dissections. Identifiers: Orphanet 91387, MedGen C4707243, MONDO:0019625.
Loeys-Dietz syndrome 2 (LDS2). Also called: Marfan Syndrome type 2; Marfan like connective tissue disorder; MFS 2; Marfan syndrome, type 2 (formerly); AORTIC ANEURYSM, FAMILIAL THORACIC 3; MARFAN SYNDROME, TYPE II. Identifiers: Orphanet 284973, Orphanet 558, MedGen C2674574, MONDO:0012427, OMIM 610168.

Allele frequency attached by ClinVar (database versions not stated): gnomAD exomes below 0.00001.
gnomAD v4.1: 1 of 1,614,158 alleles (0.000062%); highest among the groups gnomAD compares: Non-Finnish European, 0.000085%; no homozygotes.

Submissions (2):

3billion
Classification: Likely pathogenic for Loeys-Dietz syndrome 2. Last evaluated: 2022-09-01. Review status: criteria provided, single submitter. Criteria: ACMG Guidelines, 2015. Collection method: clinical testing. Allele origin: germline. Affected: yes. Observed: 1 heterozygote.
Comment: The variant is not observed in the gnomAD v2.1.1 dataset. Missense changes are a common disease-causing mechanism. In silico tool predictions suggest damaging effect of the variant on gene or gene product (REVEL: 0.65; 3Cnet: 0.97). Same nucleotide change resulting in same amino acid change has been previously reported to be associated with TGFBR2 -related disorder (ClinVar ID: VCV000155839 / PMID: 16928994). A different missense change at the same codon (p.Cys461Arg) has been reported to be associated with TGFBR2 -related disorder (ClinVar ID: VCV000393299 / PMID: 28344185). Therefore, this variant is classified as Likely pathogenic according to the recommendation of ACMG/AMP guideline.

Ambry Genetics
Classification: Likely pathogenic for Familial thoracic aortic aneurysm and aortic dissection. Last evaluated: 2021-04-02. Review status: criteria provided, single submitter. Criteria: Ambry Variant Classification Scheme 2023. Collection method: clinical testing. Allele origin: germline.
Comment: The c.1382G>A (p.C461Y) alteration is located in exon 5 (coding exon 5) of the TGFBR2 gene. This alteration results from a G to A substitution at nucleotide position 1382, causing the cysteine (C) at amino acid position 461 to be replaced by a tyrosine (Y). Based on data from the Genome Aggregation Database (gnomAD), the TGFBR2 c.1382G>A alteration was not observed, with coverage at this position. This alteration has been previously reported in individuals with Loeys-Dietz syndrome type I (Loeys, 2006). Using alternate nomenclature, this variant (p.C486Y, c.1457G>A) has also been reported de novo in a patient with an atrial septal defect (Jin, 2017). The p.C461 amino acid is conserved in available vertebrate species. The p.C461Y alteration is located in the kinase domain of TGFBR2. Based on internal structural analysis, this alteration is anticipated to result in a significant decrease in structural stability (Tebben, 2016; Zimmermann, 2017). Functional analysis in fibroblasts explanted from a patient with the p.C461Y alteration showed disruption of fibroblast transformation into myofibroblasts with TGF-B1 stimulation; however, the clinical relevance of those results is unclear (Inamoto, 2010). The in silico prediction for the p.C461Y alteration is inconclusive. Based on the available evidence, this alteration is classified as likely pathogenic.

Literature cited by the submitters: PubMed 28344185 (cited by 3billion and Ambry Genetics); PubMed 16928994 (cited by 3billion and Ambry Genetics); PubMed 20628007 (cited by Ambry Genetics); PubMed 27139629 (cited by Ambry Genetics); PubMed 28182693 (cited by Ambry Genetics); PubMed 28991257 (cited by Ambry Genetics).